The following is an entry in ClinVar:

ClinVar aggregate classification (germline): Pathogenic (1 of 4 stars; one submission).

Conditions:
Familial cancer of breast. Also called: Hereditary breast cancer; BREAST CANCER, FAMILIAL; hereditary breast carcinoma. Identifiers: Orphanet 227535, MedGen C0346153, MONDO:0016419, OMIM 114480. Disease mechanism: loss of function.

Submission:

Myriad Genetics, Inc.
Classification: Pathogenic for Familial cancer of breast. Last evaluated: 2023-05-30. Review status: criteria provided, single submitter. Criteria: Myriad Autosomal Dominant, Autosomal Recessive and X-Linked Classification Criteria (2023). Collection method: clinical testing. Allele origin: unknown.
Comment: This variant is considered pathogenic. This variant creates a frameshift predicted to result in premature protein truncation.

NM_032043.3(BRIP1):c.251del (p.Leu84fs)

Gene: BRIP1 (BRCA1 interacting DNA helicase 1; minus strand). Cytogenetic location: 17q23.2.
Variant type: Deletion.
Coding change: c.251del on transcript NM_032043.3 (MANE Select); coding-DNA position 251, one base deleted (T; older notation c.251delT).
Protein change: p.Leu84fs; shifts the reading frame from leucine 84.
Molecular consequence: frameshift variant.
Genome position (GRCh38, 1-based): chr17:61,857,186, A deleted on the plus strand (T on the coding strand, the reverse complement: BRIP1 is on the minus strand); the first of 2 consecutive A bases (chr17:61,857,186-61,857,187); deleting either gives the same sequence. VCF-style (leftmost placement, unchanged base first): chr17-61857185-CA-C. GRCh37 (hg19) VCF-style: chr17-59934546-CA-C.
Other names: short protein forms L84fs.
Identifiers: ClinVar variation 2583724 (VCV002583724.2), dbSNP rs2545460283, ClinGen allele CA2582342252.